The following is an entry in ClinVar:

ClinVar aggregate classification (germline): Pathogenic (1 of 4 stars; one submission).

Conditions:
T-B+ severe combined immunodeficiency due to JAK3 deficiency. Also called: SCID, T CELL-NEGATIVE, B CELL-POSITIVE, NK CELL-NEGATIVE; SCID, autosomal recessive, T-negative/B-positive type. Identifiers: Orphanet 35078, MedGen C1833275, MONDO:0010938, OMIM 600802.

Allele frequency attached by ClinVar (database versions not stated): TOPMed below 0.00001.

Submission:

Labcorp Genetics (formerly Invitae), Labcorp
Classification: Pathogenic for T-B+ severe combined immunodeficiency due to JAK3 deficiency. Last evaluated: 2018-05-22. Review status: criteria provided, single submitter. Criteria: Invitae Variant Classification Sherloc (09022015). Collection method: clinical testing. Allele origin: germline.
Comment: This variant has not been reported in the literature in individuals with JAK3-related disease. This variant is not present in population databases (ExAC no frequency). This sequence change creates a premature translational stop signal (p.Glu997*) in the JAK3 gene. It is expected to result in an absent or disrupted protein product. Loss-of-function variants in JAK3 are known to be pathogenic (PMID: 7481768, 11668621). For these reasons, this variant has been classified as Pathogenic.

Literature cited by the submitters: PubMed 7481768; PubMed 11668621.

NM_000215.4(JAK3):c.2989G>T (p.Glu997Ter)

Gene: JAK3 (Janus kinase 3; minus strand). Cytogenetic location: 19p13.11.
Variant type: single nucleotide variant.
Coding change: c.2989G>T on transcript NM_000215.4 (MANE Select); coding-DNA position 2989, G replaced by T.
Protein change: p.Glu997Ter; replaces glutamic acid 997 with a stop codon.
Molecular consequence: nonsense.
Genome position (GRCh38, 1-based): chr19:17,830,610, C>A on the plus strand (G>T on the coding strand, the complement: JAK3 is on the minus strand). VCF-style: chr19-17830610-C-A. GRCh37 (hg19) VCF-style: chr19-17941419-C-A.
Other names: short protein forms E997*.
Identifiers: ClinVar variation 572507 (VCV000572507.6), dbSNP rs1568400897, ClinGen allele CA404764797.
Genomic context (GRCh38, chr19:17,830,610, plus strand): 5'-GGACGACCCCGAAGCTCCAGACGTCTGACTGGCGAGAGAAGATGTTGTCCGAGAGGGATT[C>A]GGGGGCATACCTGGAGAGGGGACAAGGTCTTGAGATGCGAGGGTGTAGAAAGGACAGGAA-3'